The following is an entry in ClinVar:

ClinVar aggregate classification (germline): Uncertain significance (1 of 4 stars; one submission).

gnomAD v4.1: 3 of 1,611,972 alleles (0.00019%); highest among the groups gnomAD compares: South Asian, 0.0011%; no homozygotes.

Submission:

GeneDx
Classification: Uncertain significance. Last evaluated: 2025-01-23. Review status: criteria provided, single submitter. Criteria: GeneDx Variant Classification Process June 2021. Collection method: clinical testing. Allele origin: germline. Affected: yes.
Comment: Not observed at significant frequency in large population cohorts (gnomAD); In silico analysis supports that this missense variant has a deleterious effect on protein structure/function; Has not been previously published as pathogenic or benign to our knowledge

NM_000341.4(SLC3A1):c.481T>C (p.Trp161Arg)

Gene: SLC3A1 (solute carrier family 3 member 1; plus strand). Cytogenetic location: 2p21.
Variant type: single nucleotide variant.
Coding change: c.481T>C on transcript NM_000341.4 (MANE Select); coding-DNA position 481, T replaced by C.
Protein change: p.Trp161Arg; replaces tryptophan 161 with arginine.
Molecular consequence: missense variant.
Genome position (GRCh38, 1-based): chr2:44,280,766, T>C. VCF-style: chr2-44280766-T-C. GRCh37 (hg19) VCF-style: chr2-44507905-T-C.
Other names: short protein forms W161R.
Identifiers: ClinVar variation 4072517 (VCV004072517.1).
Genomic context (GRCh38, chr2:44,280,766, plus strand): 5'-TTTTCTTCAGGTATTCAAGATAAACTGGACTACATCACAGCTTTAAATATAAAAACTGTT[T>C]GGATTACTTCATTTTATAAATCGTCCCTTAAAGATTTCAGATATGGTGTTGAAGATTTCC-3'
Protein context (NP_000332.2, residues 151-171): YITALNIKTV[Trp161Arg]ITSFYKSSLK